The following is an entry in ClinVar:

NM_017547.4(FOXRED1):c.307-14T>C

Gene: FOXRED1 (FAD dependent oxidoreductase domain containing 1; plus strand). Cytogenetic location: 11q24.2.
Variant type: single nucleotide variant.
Coding change: c.307-14T>C on transcript NM_017547.4 (MANE Select); 14 bases into the intron before coding-DNA position 307, T replaced by C.
Molecular consequence: intron variant.
Genome position (GRCh38, 1-based): chr11:126,272,955, T>C. VCF-style: chr11-126272955-T-C. GRCh37 (hg19) VCF-style: chr11-126142850-T-C.
Identifiers: ClinVar variation 516088 (VCV000516088.13), dbSNP rs541684918, ClinGen allele CA6354042.

ClinVar aggregate classification (germline): Conflicting classifications of pathogenicity. Review status: criteria provided, conflicting classifications (1 of 4 stars). 4 submissions from 4 submitters: Uncertain significance (1); Benign (1); Likely benign (2). Last evaluated 2026-02-04.

Conditions:
Mitochondrial complex I deficiency, nuclear type 1. Also called: NADH-COENZYME Q REDUCTASE DEFICIENCY; MITOCHONDRIAL NADH DEHYDROGENASE COMPONENT OF COMPLEX I, DEFICIENCY OF. Identifiers: MedGen C6022305, MONDO:0100224, OMIM 252010.

Allele frequency attached by ClinVar (database versions not stated): gnomAD 0.00001 and 0.00039; TOPMed 0.00008; ExAC 0.00161; 1000 Genomes Project 30x 0.00375; 1000 Genomes Project 0.00419.
gnomAD v4.1: 921 of 1,352,372 alleles (0.068%); highest among the groups gnomAD compares: South Asian, 1%; 13 homozygotes.

Submissions (4):

Labcorp Genetics (formerly Invitae), Labcorp
Classification: Benign. Last evaluated: 2026-02-04. Review status: criteria provided, single submitter. Criteria: Invitae Variant Classification Sherloc (09022015). Collection method: clinical testing. Allele origin: germline.

Blueprint Genetics
Classification: Likely benign. Last evaluated: 2024-11-27. Review status: criteria provided, single submitter. Criteria: ACMG Guidelines, 2015. Collection method: clinical testing. Allele origin: germline.

GeneDx
Classification: Likely benign. Last evaluated: 2018-02-23. Review status: criteria provided, single submitter. Criteria: GeneDx Variant Classification (06012015). Collection method: clinical testing. Allele origin: germline. Affected: yes.
Comment: This variant is considered likely benign or benign based on one or more of the following criteria: it is a conservative change, it occurs at a poorly conserved position in the protein, it is predicted to be benign by multiple in silico algorithms, and/or has population frequency not consistent with disease.

Illumina Laboratory Services, Illumina
Classification: Uncertain significance for Mitochondrial complex I deficiency, nuclear type 1. Last evaluated: 2018-01-13. Review status: criteria provided, single submitter. Criteria: ICSL Variant Classification Criteria 13 December 2019. Collection method: clinical testing. Allele origin: germline.